The following is an entry in ClinVar:

NM_023077.3(COA7):c.112T>C (p.Tyr38His)

Gene: COA7 (cytochrome c oxidase assembly factor 7; minus strand). Cytogenetic location: 1p32.3.
Variant type: single nucleotide variant.
Coding change: c.112T>C on transcript NM_023077.3 (MANE Select); coding-DNA position 112, T replaced by C.
Protein change: p.Tyr38His; replaces tyrosine 38 with histidine.
Molecular consequence: missense variant.
Genome position (GRCh38, 1-based): chr1:52,692,862, A>G on the plus strand (T>C on the coding strand, the complement: COA7 is on the minus strand). VCF-style: chr1-52692862-A-G. GRCh37 (hg19) VCF-style: chr1-53158534-A-G.
Other names: short protein forms Y38H.
Identifiers: ClinVar variation 2420136 (VCV002420136.6), dbSNP rs145184229, ClinGen allele CA855739.

ClinVar aggregate classification (germline): Uncertain significance (1 of 4 stars; one submission).

Allele frequency attached by ClinVar (database versions not stated): ExAC 0.00005; TOPMed 0.00010; 1000 Genomes Project 30x 0.00016; gnomAD 0.00016; 1000 Genomes Project 0.00020; ESP Exome Variant Server 0.00031; gnomAD exomes 0.00001.
gnomAD v4.1: 40 of 1,614,168 alleles (0.0025%); highest among the groups gnomAD compares: African/African-American, 0.048%; no homozygotes.

Submission:

Labcorp Genetics (formerly Invitae), Labcorp
Classification: Uncertain significance. Last evaluated: 2025-10-27. Review status: criteria provided, single submitter. Criteria: Invitae Variant Classification Sherloc (09022015). Collection method: clinical testing. Allele origin: germline.
Comment: This sequence change replaces tyrosine, which is neutral and polar, with histidine, which is basic and polar, at codon 38 of the COA7 protein (p.Tyr38His). This variant is present in population databases (rs145184229, gnomAD 0.07%). This variant has not been reported in the literature in individuals affected with COA7-related conditions. ClinVar contains an entry for this variant (Variation ID: 2420136). An algorithm developed to predict the effect of missense changes on protein structure and function (PolyPhen-2) suggests that this variant is likely to be tolerated. In summary, the available evidence is currently insufficient to determine the role of this variant in disease. Therefore, it has been classified as a Variant of Uncertain Significance.